The following is an entry in ClinVar:

ClinVar aggregate classification (germline): Uncertain significance. Review status: criteria provided, multiple submitters, no conflicts (2 of 4 stars). 7 submissions from 7 submitters: Uncertain significance (7). Last evaluated 2026-01-16.

Conditions:
Malignant hyperthermia, susceptibility to, 1 (MHS1). Also called: Anesthesia related hyperthermia; Malignant hyperpyrexia; Fulminating hyperpyrexia; Pharmacogenic myopathy; Malignant hyperthermia suceptibility 1; RYR1-Related Malignant Hyperthermia Susceptibility. Identifiers: Orphanet 423, MedGen C2930980, MONDO:0007783, OMIM 145600.
King Denborough syndrome (KDS). Identifiers: MedGen C1840365, MONDO:0020485, OMIM 619542.
Congenital myopathy with fiber type disproportion. Also called: Congenital fiber-type disproportion; Congenital fiber-type disproportion myopathy. Identifiers: Orphanet 2020, MedGen C0546264, MONDO:0009711. Inheritance: all.
Central core myopathy (CMYO1A). Also called: Central core disease; Myopathy, central fibrillar; CONGENITAL MYOPATHY 1A, AUTOSOMAL DOMINANT, WITH SUSCEPTIBILITY TO MALIGNANT HYPERTHERMIA. Identifiers: Orphanet 597, MedGen C5830701, MONDO:0007294, OMIM 117000.
Congenital multicore myopathy with external ophthalmoplegia (CMYO1B). Also called: MULTICORE MYOPATHY; Minicore myopathy with external ophthalmoplegia; MULTIMINICORE DISEASE WITH EXTERNAL OPHTHALMOPLEGIA; Congenital myopathy 1B, autosomal recessive; Minicore myopathy. Identifiers: Orphanet 598, Orphanet 98905, MedGen C1850674, MONDO:0009712, OMIM 255320, HP:0003789.
RYR1-related disorder. Also called: RYR1-related disorders; RYR1-related condition. Identifiers: MedGen CN239331.

Allele frequency attached by ClinVar (database versions not stated): gnomAD 0.00003; gnomAD exomes 0.00003 and 0.00004; ExAC 0.00005; TOPMed 0.00006; ESP Exome Variant Server 0.00008.
gnomAD v4.1: 42 of 1,612,944 alleles (0.0026%); highest among the groups gnomAD compares: African/African-American, 0.008%; no homozygotes.

Submissions (7):

Labcorp Genetics (formerly Invitae), Labcorp
Classification: Uncertain significance for RYR1-related disorder. Last evaluated: 2026-01-16. Review status: criteria provided, single submitter. Criteria: Invitae Variant Classification Sherloc (09022015). Collection method: clinical testing. Allele origin: germline.
Comment: This sequence change replaces arginine, which is basic and polar, with glutamine, which is neutral and polar, at codon 1016 of the RYR1 protein (p.Arg1016Gln). This variant is present in population databases (rs373541911, gnomAD 0.01%). This missense change has been observed in individual(s) with myopathy (PMID: 32236737). ClinVar contains an entry for this variant (Variation ID: 287350). Invitae Evidence Modeling of protein sequence and biophysical properties (such as structural, functional, and spatial information, amino acid conservation, physicochemical variation, residue mobility, and thermodynamic stability) has been performed for this missense variant. However, the output from this modeling did not meet the statistical confidence thresholds required to predict the impact of this variant on RYR1 protein function. In summary, the available evidence is currently insufficient to determine the role of this variant in disease. Therefore, it has been classified as a Variant of Uncertain Significance.

Color Diagnostics, LLC DBA Color Health
Classification: Uncertain significance for Malignant hyperthermia, susceptibility to, 1. Last evaluated: 2025-12-16. Review status: criteria provided, single submitter. Criteria: ACMG Guidelines, 2015. Collection method: clinical testing. Allele origin: germline.
Comment: This missense variant replaces arginine with glutamine at codon 1016 of the RYR1 protein. Computational prediction is inconclusive regarding the impact of this variant on protein structure and function. To our knowledge, functional studies have not been reported for this variant. This variant has not been reported in individuals affected with RYR1-related disorders in the literature. This variant has been identified in 42/1612944 chromosomes in the general population by the Genome Aggregation Database (gnomAD). The available evidence is insufficient to determine the role of this variant in disease conclusively. Therefore, this variant is classified as a Variant of Uncertain Significance.

All of Us Research Program, National Institutes of Health
Classification: Uncertain significance for Malignant hyperthermia, susceptibility to, 1. Last evaluated: 2024-07-20. Review status: criteria provided, single submitter. Criteria: ACMG Guidelines, 2015. Collection method: clinical testing. Allele origin: germline. Inheritance: Autosomal dominant inheritance. Observed: 24 variant alleles, 24 heterozygotes.
Comment: This missense variant replaces arginine with glutamine at codon 1016 of the RYR1 protein. Computational prediction suggests that this variant may have deleterious impact on protein structure and function (internally defined REVEL score threshold >= 0.7, PMID: 27666373). To our knowledge, functional studies have not been reported for this variant. This variant has not been reported in individuals affected with RYR1-related disorders in the literature. This variant has been identified in 11/278626 chromosomes in the general population by the Genome Aggregation Database (gnomAD). The available evidence is insufficient to determine the role of this variant in disease conclusively. Therefore, this variant is classified as a Variant of Uncertain Significance.

This study involves interpretation of variants in research participants for the purpose of population health screening. Participant phenotype was not available at the time of variant classification. Additional details can be found in publication PMID: 35346344, PMCID: PMC8962531

ARUP Laboratories, Molecular Genetics and Genomics, ARUP Laboratories
Classification: Uncertain significance. Last evaluated: 2024-05-02. Review status: criteria provided, single submitter. Criteria: ARUP Molecular Germline Variant Investigation Process 2024. Collection method: clinical testing. Allele origin: germline.
Comment: The RYR1 c.3047G>A; p.Arg1016Gln variant (rs373541911, ClinVar Variation ID: 287350) is reported in the literature in an individual with suspected RYR1-related myopathy (Kushnir 2020). This variant is found in the general population with an overall allele frequency of 0.004% (11/278,626 alleles) in the Genome Aggregation Database (v2.1.1). Computational analyses are uncertain whether this variant is neutral or deleterious (REVEL: 0.778). Due to limited information, the clinical significance of this variant is uncertain at this time. References: Kushnir A et al. Intracellular calcium leak as a therapeutic target for RYR1-related myopathies. Acta Neuropathol. 2020 Jun;139(6):1089-1104. PMID: 32236737.

Revvity Omics, Revvity
Classification: Uncertain significance. Last evaluated: 2023-03-01. Review status: criteria provided, single submitter. Criteria: ACMG Guidelines, 2015. Collection method: clinical testing. Allele origin: germline.

Fulgent Genetics
Classification: Uncertain significance for Central core myopathy; Malignant hyperthermia, susceptibility to, 1; Congenital myopathy 4A, autosomal dominant; Congenital multicore myopathy with external ophthalmoplegia; King Denborough syndrome. Last evaluated: 2021-09-09. Review status: criteria provided, single submitter. Criteria: ACMG Guidelines, 2015. Collection method: clinical testing. Allele origin: unknown.

Eurofins Ntd Llc (ga)
Classification: Uncertain significance. Last evaluated: 2016-05-18. Review status: criteria provided, single submitter. Criteria: EGL Classification Definitions 2015. Collection method: clinical testing. Allele origin: germline. Observed: 1 variant allele, 1 heterozygote.

Literature cited by the submitters: PubMed 32236737 (cited by Labcorp Genetics (formerly Invitae), Labcorp).

NM_000540.3(RYR1):c.3047G>A (p.Arg1016Gln)

Gene: RYR1 (ryanodine receptor 1; plus strand). Cytogenetic location: 19q13.2.
Variant type: single nucleotide variant.
Coding change: c.3047G>A on transcript NM_000540.3 (MANE Select); coding-DNA position 3047, G replaced by A.
Protein change: p.Arg1016Gln; replaces arginine 1016 with glutamine.
Molecular consequence: missense variant.
Genome position (GRCh38, 1-based): chr19:38,466,267, G>A. VCF-style: chr19-38466267-G-A. GRCh37 (hg19) VCF-style: chr19-38956907-G-A.
Other names: c.3047G>A, p.Arg1016Gln (NM_001042723.2); short protein forms R1016Q.
Identifiers: ClinVar variation 287350 (VCV000287350.18), dbSNP rs373541911, ClinGen allele CA064342.